The following is an entry in ClinVar:

ClinVar aggregate classification (germline): Likely pathogenic (0 of 4 stars; one submission).

Conditions:
Pyruvate dehydrogenase E1-alpha deficiency (PDHAD). Also called: ATAXIA, INTERMITTENT, WITH PYRUVATE DEHYDROGENASE DEFICIENCY; ATAXIA WITH LACTIC ACIDOSIS I; ATAXIA, INTERMITTENT, WITH ABNORMAL PYRUVATE METABOLISM; Ataxia, intermittent, with pyruvate dehydrogenase, or decarboxylase, deficiency. Identifiers: Orphanet 79243, MedGen C1839413, MONDO:0010717, OMIM 312170.

Submission:

PDHA1 Study Group, University Children’s Hospital, Paracelsus Medical University
Classification: Likely pathogenic for Pyruvate dehydrogenase E1-alpha deficiency. Last evaluated: 2024-10-15. Review status: no assertion criteria provided. Collection method: research. Allele origin: germline. Affected: yes. Observed: 1 variant allele.
Comment: The NM_000284.3:c.364G>C (p.Gly122Arg) substitution is a missense variant in PDHA1 gene. These include . Last literature search: July 12, 2024. This variant is absent or extremely rare in population-based cohorts in the Genome Aggregation Database (gnomAD). Individuals harboring this variant presented with clinical features compatible with PDHA1-related PDHc deficiency. In summary, this variant meets criteria to be classified as likely pathogenic (LP) for PDHA1-related PDHc deficiency based on the ACMG/AMP criteria applied: PM1, PM2, PM5, PP3 (last assessment October 15, 2024).

Literature cited by the submitters: DOI 10.1093/brain/awaf430.

NM_000284.4(PDHA1):c.364G>C (p.Gly122Arg)

Gene: PDHA1 (pyruvate dehydrogenase E1 subunit alpha 1; plus strand). Cytogenetic location: Xp22.12.
Variant type: single nucleotide variant.
Coding change: c.364G>C on transcript NM_000284.4 (MANE Select); coding-DNA position 364, G replaced by C.
Protein change: p.Gly122Arg; replaces glycine 122 with arginine.
Molecular consequence: missense variant.
Genome position (GRCh38, 1-based): chrX:19,351,353, G>C. VCF-style: chrX-19351353-G-C. GRCh37 (hg19) VCF-style: chrX-19369471-G-C.
Other names: c.478G>C, p.Gly160Arg (NM_001173454.2); c.385G>C, p.Gly129Arg (NM_001173455.2); c.364G>C, p.Gly122Arg (NM_001173456.2); short protein forms G122R, G129R, G160R.
Identifiers: ClinVar variation 4070312 (VCV004070312.1).
Genomic context (GRCh38, chrX:19,351,353, plus strand): 5'-GTGGGCCTGGAGGCCGGCATCAACCCCACAGACCATCTCATCACAGCCTACCGGGCTCAC[G>C]GCTTTACTTTCACCCGGGGCCTTTCCGTCCGAGAAATTCTCGCAGAGCTTACAGGTTTGC-3'
Protein context (NP_000275.1, residues 112-132): DHLITAYRAH[Gly122Arg]FTFTRGLSVR